The following is an entry in ClinVar:

NM_001330260.2(SCN8A):c.3563G>A (p.Arg1188Gln)

Gene: SCN8A (sodium voltage-gated channel alpha subunit 8; plus strand). Cytogenetic location: 12q13.13.
Variant type: single nucleotide variant.
Coding change: c.3563G>A on transcript NM_001330260.2 (MANE Select); coding-DNA position 3563, G replaced by A.
Protein change: p.Arg1188Gln; replaces arginine 1188 with glutamine.
Molecular consequence: missense variant.
Genome position (GRCh38, 1-based): chr12:51,770,601, G>A. VCF-style: chr12-51770601-G-A. GRCh37 (hg19) VCF-style: chr12-52164385-G-A.
Other names: c.3563G>A, p.Arg1188Gln (NM_001177984.3, NM_001369788.1, NM_014191.4); short protein forms R1188Q.
Identifiers: ClinVar variation 461339 (VCV000461339.23), dbSNP rs1555226375, ClinGen allele CA384896499.

ClinVar aggregate classification (germline): Conflicting classifications of pathogenicity. Review status: criteria provided, conflicting classifications (1 of 4 stars). 7 submissions from 7 submitters: Pathogenic (1); Likely pathogenic (3); Uncertain significance (2). 1 of the submissions does not count toward it. Last evaluated 2026-02-03.

Conditions:
Complex neurodevelopmental disorder. Identifiers: Orphanet 528084, MedGen C5568766, MONDO:0100038.
Inborn genetic diseases. Identifiers: MedGen C0950123, MeSH D030342.
Developmental and epileptic encephalopathy, 13 (DEE13). Also called: SCN8A-Related Epilepsy; Early infantile epileptic encephalopathy 13; Developmental and Epileptic Encephalopathy (SCN8A-DEE). Identifiers: Orphanet 442835, MedGen C3281191, MONDO:0013801, OMIM 614558.
Cognitive impairment with or without cerebellar ataxia (CIAT). Identifiers: MedGen C3280415, MONDO:0013680, OMIM 614306.
Early-infantile DEE. Also called: Early infantile epileptic encephalopathy; Early infantile epileptic encephalopathy with suppression bursts; Ohtahara syndrome. Identifiers: Orphanet 1934, MedGen C0393706, MONDO:0800491.

Allele frequency attached by ClinVar (database versions not stated): gnomAD exomes below 0.00001.
gnomAD v4.1: 2 of 1,614,080 alleles (0.00012%); highest among the groups gnomAD compares: Non-Finnish European, 0.00017%; no homozygotes.

Submissions (7):

GeneDx
Classification: Likely pathogenic. Last evaluated: 2026-02-03. Review status: criteria provided, single submitter. Criteria: GeneDx Variant Classification Process June 2021. Collection method: clinical testing. Allele origin: germline. Affected: yes.
Comment: In silico analysis supports that this missense variant has a deleterious effect on protein structure/function; Not observed at significant frequency in large population cohorts (gnomAD); This substitution is predicted to be within the cytoplasmic loop between the second and third homologous domains; This variant is associated with the following publications: (PMID: 34431999, 34926809, 38335860, 31440721, 39825153)

Victorian Clinical Genetics Services, Murdoch Childrens Research Institute
Classification: Likely pathogenic for Complex neurodevelopmental disorder. Last evaluated: 2025-07-28. Review status: criteria provided, single submitter. Criteria: ACMG Guidelines, 2015. Collection method: clinical testing. Allele origin: germline. Affected: yes.
Comment: This variant is classified as Likely pathogenic. Evidence in support of pathogenic classification: Variant is present in gnomAD <0.001 for a dominant condition (v4: 2 heterozygote(s), 0 homozygote(s)); This variant has strong previous evidence of pathogenicity in unrelated individuals. This variant has been classified as pathogenic, likely pathogenic and as a VUS by clinical laboratories in ClinVar, and reported in the literature in individuals with SCN8A-related features, at least once as de novo (PMIDs: 38335860, 39825153, 34431999, 31440721); Another missense variant comparable to the one identified in this case has limited previous evidence for pathogenicity. p.(Arg1188Trp) has been classified as likely pathogenic by a clinical laboratory in ClinVar; Missense variant predicted to be damaging by in silico tool(s) or highly conserved with a major amino acid change. Additional information: Variant is predicted to result in a missense amino acid change from Arg to Gln; This variant is heterozygous; This gene is associated with autosomal dominant disease; Alternative amino acid change(s) at the same position are present in gnomAD (highest allele count: v4: 1 heterozygote(s), 0 homozygote(s)); No published functional evidence has been identified for this variant; Variant is located in the annotated sodium ion transport-associated domain (DECIPHER, InterPro); Loss of function and gain of function are known mechanisms of disease in this gene, and are associated with cognitive impairment with or without cerebellar ataxia (MIM#614306) and developmental and epileptic encephalopathy 13 (MIM#614558), respectively. In addition, gain of function is speculated for seizures, benign familial infantile, 5 (MIM#617080) (PMID: 31904124, OMIM).

Department of Human Genetics, Hannover Medical School
Classification: Uncertain significance for Developmental and epileptic encephalopathy, 13. Last evaluated: 2025-01-06. Review status: criteria provided, single submitter. Criteria: ACMG Guidelines, 2015. Collection method: clinical testing. Allele origin: germline. Affected: yes.
Comment: ClinGen VCEP: PM6_Supporting, PP3_Moderate

Labcorp Genetics (formerly Invitae), Labcorp
Classification: Pathogenic for Early-infantile DEE. Last evaluated: 2024-05-18. Review status: criteria provided, single submitter. Criteria: Invitae Variant Classification Sherloc (09022015). Collection method: clinical testing. Allele origin: germline.
Comment: This sequence change replaces arginine, which is basic and polar, with glutamine, which is neutral and polar, at codon 1188 of the SCN8A protein (p.Arg1188Gln). This variant is not present in population databases (gnomAD no frequency). This missense change has been observed in individual(s) with clinical features of SCN8A-related conditions (Invitae). In at least one individual the variant was observed to be de novo. ClinVar contains an entry for this variant (Variation ID: 461339). Advanced modeling of protein sequence and biophysical properties (such as structural, functional, and spatial information, amino acid conservation, physicochemical variation, residue mobility, and thermodynamic stability) performed at Invitae indicates that this missense variant is expected to disrupt SCN8A protein function with a positive predictive value of 95%. For these reasons, this variant has been classified as Pathogenic.

Neuberg Centre For Genomic Medicine, NCGM
Classification: Likely pathogenic for Developmental and epileptic encephalopathy, 13. Last evaluated: 2023-03-01. Review status: criteria provided, single submitter. Criteria: ACMG Guidelines, 2015. Collection method: clinical testing. Allele origin: germline. Inheritance: Autosomal dominant inheritance. Affected: yes.
Comment: The missense variant c.3563G>A (p.Arg1188Gln) in the SCN8A gene has not been reported previously as a pathogenic variant nor as a benign variant, to our knowledge. In in-vitro studies, algorithms were developed to predict the effect of sequence changes on RNA splicing suggesting that this variant may create or strengthen a splice site. This variant is novel (not in any individuals) in gnomAD Exomes and 1000 Genomes. It has been submitted to ClinVar as Likely Pathogenic/Uncertain significance. The amino acid Arginine at position 1188 is changed to a Glutamine changing protein sequence and it might alter its composition and physico-chemical properties. The variant is predicted as damaging by SIFT. The amino acid change p.Arg1188Gln in SCN8A is predicted as conserved by GERP++ and PhyloP across 100 vertebrates. For these reasons, this variant has been classified as Likely Pathogenic

Ambry Genetics
Classification: Uncertain significance for Inborn genetic diseases. Last evaluated: 2018-11-21. Review status: criteria provided, single submitter. Criteria: Ambry Variant Classification Scheme 2023. Collection method: clinical testing. Allele origin: germline.
Comment: The p.R1188Q variant (also known as c.3563G>A), located in coding exon 18 of the SCN8A gene, results from a G to A substitution at nucleotide position 3563. The arginine at codon 1188 is replaced by glutamine, an amino acid with highly similar properties. This amino acid position is highly conserved in available vertebrate species. In addition, this alteration is predicted to be deleterious by in silico analysis. Since supporting evidence is limited at this time, the clinical significance of this alteration remains unclear.

Solve-RD Consortium
Classification: Likely pathogenic for Cognitive impairment with or without cerebellar ataxia. Last evaluated: 2022-06-01. Review status: no assertion criteria provided. Collection method: provider interpretation. Allele origin: inherited. Affected: yes. Not counted in ClinVar's aggregate classification.
Comment: Variant confirmed as disease-causing by referring clinical team

Variant identified during reanalysis of unsolved cases by the Solve-RD project. The Solve-RD project has received funding from the European Union’s Horizon 2020 research and innovation programme under grant agreement No 779257.

Literature cited by the submitters: PubMed 31904124 (cited by Victorian Clinical Genetics Services, Murdoch Childrens Research Institute); PubMed 31440721 (cited by Victorian Clinical Genetics Services, Murdoch Childrens Research Institute); PubMed 39825153 (cited by Victorian Clinical Genetics Services, Murdoch Childrens Research Institute and Solve-RD Consortium); PubMed 38335860 (cited by Victorian Clinical Genetics Services, Murdoch Childrens Research Institute); PubMed 34431999 (cited by Victorian Clinical Genetics Services, Murdoch Childrens Research Institute).